The following is an entry in ClinVar:

ClinVar aggregate classification (germline): Benign/Likely benign. Review status: criteria provided, multiple submitters, no conflicts (2 of 4 stars). 4 submissions from 4 submitters: Benign (1); Likely benign (3). Last evaluated 2024-05-22.

Conditions:
Hereditary cancer-predisposing syndrome. Also called: Tumor predisposition; Neoplastic Syndromes, Hereditary; Hereditary Cancer Syndrome; Hereditary neoplastic syndrome. Identifiers: Orphanet 140162, MedGen C0027672, MeSH D009386, MONDO:0015356.
Familial cancer of breast. Also called: BREAST CANCER, FAMILIAL; hereditary breast carcinoma; Hereditary breast cancer. Identifiers: Orphanet 227535, MedGen C0346153, MONDO:0016419, OMIM 114480. Disease mechanism: loss of function.
Ataxia-telangiectasia syndrome (AT). Also called: Ataxia-telangiectasia; Ataxia-telangiectasia, complementation group D; AT, COMPLEMENTATION GROUP C; LOUIS-BAR SYNDROME; Cerebello-oculocutaneous telangiectasia; Immunodeficiency with ataxia telangiectasia. Identifiers: Orphanet 100, MedGen C0004135, MONDO:0008840, OMIM 208900.

gnomAD v4.1: 3 of 1,613,728 alleles (0.00019%); highest among the groups gnomAD compares: Non-Finnish European, 0.00017%; no homozygotes.

Submissions (4):

Myriad Genetics, Inc.
Classification: Benign for Familial cancer of breast. Last evaluated: 2024-05-22. Review status: criteria provided, single submitter. Criteria: Myriad Autosomal Dominant, Autosomal Recessive and X-Linked Classification Criteria (2023). Collection method: clinical testing. Allele origin: unknown.
Comment: This variant is considered benign. This variant is a silent/synonymous amino acid change and it is not expected to impact splicing.

Labcorp Genetics (formerly Invitae), Labcorp
Classification: Likely benign for Ataxia-telangiectasia syndrome. Last evaluated: 2021-09-16. Review status: criteria provided, single submitter. Criteria: Invitae Variant Classification Sherloc (09022015). Collection method: clinical testing. Allele origin: germline.

Ambry Genetics
Classification: Likely benign for Hereditary cancer-predisposing syndrome. Last evaluated: 2018-06-04. Review status: criteria provided, single submitter. Criteria: Ambry Variant Classification Scheme 2023. Collection method: clinical testing. Allele origin: germline.

Color Diagnostics, LLC DBA Color Health
Classification: Likely benign for Hereditary cancer-predisposing syndrome. Last evaluated: 2017-11-09. Review status: criteria provided, single submitter. Criteria: ACMG Guidelines, 2015. Collection method: clinical testing. Allele origin: germline.

NM_000051.4(ATM):c.5256T>A (p.Ile1752=)

Gene: ATM (ATM serine/threonine kinase; plus strand). Cytogenetic location: 11q22.3.
Variant type: single nucleotide variant.
Coding change: c.5256T>A on transcript NM_000051.4 (MANE Select); coding-DNA position 5256, T replaced by A.
Protein change: p.Ile1752=; no amino-acid change (isoleucine 1752 retained).
Molecular consequence: synonymous variant.
Genome position (GRCh38, 1-based): chr11:108,301,726, T>A. VCF-style: chr11-108301726-T-A. GRCh37 (hg19) VCF-style: chr11-108172453-T-A.
Other names: c.5256T>A, p.Ile1752= (NM_001351834.2).
Identifiers: ClinVar variation 490608 (VCV000490608.16), dbSNP rs1555105718, ClinGen allele CA476674794.